The following is an entry in ClinVar:

NM_001267550.2(TTN):c.89628T>G (p.Asp29876Glu)

Genes: TTN-AS1 (TTN antisense RNA 1; plus strand), TTN (titin; minus strand). Cytogenetic location: 2q31.2.
Variant type: single nucleotide variant.
Coding change: c.89628T>G on transcript NM_001267550.2 (MANE Select); coding-DNA position 89628, T replaced by G.
Protein change: p.Asp29876Glu; replaces aspartic acid 29876 with glutamic acid.
Molecular consequence: missense variant.
Genome position (GRCh38, 1-based): chr2:178,553,272, A>C on the plus strand (T>G on the coding strand, the complement: TTN is on the minus strand). VCF-style: chr2-178553272-A-C. GRCh37 (hg19) VCF-style: chr2-179417999-A-C.
Other names: c.84705T>G, p.Asp28235Glu (NM_001256850.1); c.62433T>G, p.Asp20811Glu (NM_003319.4); c.62808T>G, p.Asp20936Glu (NM_133432.3); c.63009T>G, p.Asp21003Glu (NM_133437.4); c.81924T>G, p.Asp27308Glu (NM_133378.4); short protein forms D29876E, D27308E, D20811E, D20936E, D28235E, D21003E.
Identifiers: ClinVar variation 47490 (VCV000047490.7), dbSNP rs397517743, ClinGen allele CA344683.

ClinVar aggregate classification (germline): Uncertain significance. Review status: criteria provided, multiple submitters, no conflicts (2 of 4 stars). 2 submissions from 2 submitters: Uncertain significance (2). Last evaluated 2017-09-22.

Conditions:
Dilated cardiomyopathy 1G (CMD1G). Identifiers: Orphanet 154, MedGen C1858763, MONDO:0011400, OMIM 604145.
Autosomal recessive limb-girdle muscular dystrophy type 2J (LGMDR10). Also called: Limb-girdle muscular dystrophy, type 2J; MUSCULAR DYSTROPHY, LIMB-GIRDLE, AUTOSOMAL RECESSIVE 10. Identifiers: Orphanet 140922, MedGen C1837342, MONDO:0012127, OMIM 608807.

Allele frequency attached by ClinVar (database versions not stated): gnomAD 0.00001; gnomAD exomes 0.00001 and 0.00002; ExAC 0.00002.
gnomAD v4.1: 27 of 1,611,526 alleles (0.0017%); highest among the groups gnomAD compares: Non-Finnish European, 0.0018%; no homozygotes.

Submissions (2):

Labcorp Genetics (formerly Invitae), Labcorp
Classification: Uncertain significance for Dilated cardiomyopathy 1G; Autosomal recessive limb-girdle muscular dystrophy type 2J. Last evaluated: 2017-09-22. Review status: criteria provided, single submitter. Criteria: Invitae Variant Classification Sherloc (09022015). Collection method: clinical testing. Allele origin: germline.

Laboratory for Molecular Medicine, Mass General Brigham Personalized Medicine
Classification: Uncertain significance. Last evaluated: 2012-08-24. Review status: criteria provided, single submitter. Criteria: LMM Criteria. Collection method: clinical testing. Allele origin: germline. Observed: 1 variant allele.
Comment: Variant classified as Uncertain Significance - Favor Benign. The Asp27308Glu var iant in TTN has not been reported in the literature nor previously identified by our laboratory. Computational analyses (biochemical amino acid properties, Alig nGVGD, PolyPhen2, and SIFT) do not provide strong support for or against an impa ct to the protein. The change to glutamic acid (Glu) at position 27308 occurs in at least one other mammal (Elephant), suggesting the Asp27308Glu variant may be tolerated. Although the lack of conservation in mammals supports that this vari ant may be benign, additional studies are needed to fully assess its clinical si gnificance.